The following is an entry in ClinVar:

ClinVar aggregate classification (germline): Uncertain significance (1 of 4 stars; one submission).

Conditions:
Myasthenic syndrome, congenital, 22 (CMS22). Also called: PREPL DEFICIENCY. Identifiers: MedGen C4479088, MONDO:0044299, OMIM 616224.

Submission:

Labcorp Genetics (formerly Invitae), Labcorp
Classification: Uncertain significance for Myasthenic syndrome, congenital, 22. Last evaluated: 2022-10-04. Review status: criteria provided, single submitter. Criteria: Invitae Variant Classification Sherloc (09022015). Collection method: clinical testing. Allele origin: germline.
Comment: A copy number gain of the genomic region encompassing the full coding sequence of the PREPL gene has been identified. The boundaries of this event are unknown as they extend beyond the assayed region for this gene and therefore may encompass additional genes. As the precise location of this event is unknown, it may be in tandem or it may be located elsewhere in the genome. This variant has not been reported in the literature in individuals affected with PREPL-related conditions. Experimental studies and prediction algorithms are not available or were not evaluated, and the functional significance of this variant is currently unknown. In summary, the available evidence is currently insufficient to determine the role of this variant in disease. Therefore, it has been classified as a Variant of Uncertain Significance.

NC_000002.11:g.(?_44547318)_(44586854_?)dup

Genes: PREPL (prolyl endopeptidase like; minus strand), SLC3A1 (solute carrier family 3 member 1; plus strand). Cytogenetic location: 2p21.
Variant type: Duplication.
Identifiers: ClinVar variation 2425479 (VCV002425479.3).